The following is an entry in ClinVar:

ClinVar aggregate classification (germline): Pathogenic (1 of 4 stars; one submission).

Conditions:
CHARGE syndrome (CHARGE). Also called: Coloboma, heart anomaly, choanal atresia, retardation, genital and ear anomalies; CHARGE association; Hall-Hittner syndrome; Hittner Hirsch Kreh syndrome; CHARGE ASSOCIATION--COLOBOMA, HEART ANOMALY, CHOANAL ATRESIA, RETARDATION, GENITAL AND EAR ANOMALIES. Identifiers: Orphanet 138, MedGen C0265354, MONDO:0008965.

Submission:

Labcorp Genetics (formerly Invitae), Labcorp
Classification: Pathogenic for CHARGE syndrome. Last evaluated: 2022-08-09. Review status: criteria provided, single submitter. Criteria: Invitae Variant Classification Sherloc (09022015). Collection method: clinical testing. Allele origin: germline.
Comment: For these reasons, this variant has been classified as Pathogenic. ClinVar contains an entry for this variant (Variation ID: 1456122). This variant has not been reported in the literature in individuals affected with CHD7-related conditions. This variant is not present in population databases (gnomAD no frequency). This sequence change creates a premature translational stop signal (p.Asp1543Glyfs*12) in the CHD7 gene. It is expected to result in an absent or disrupted protein product. Loss-of-function variants in CHD7 are known to be pathogenic (PMID: 22461308, 25077900).

Literature cited by the submitters: PubMed 22461308; PubMed 25077900.

NM_017780.4(CHD7):c.4627dup (p.Asp1543fs)

Gene: CHD7 (chromodomain helicase DNA binding protein 7; plus strand). Cytogenetic location: 8q12.2.
Variant type: Duplication.
Coding change: c.4627dup on transcript NM_017780.4 (MANE Select); coding-DNA position 4627, one base duplicated (G; older notation c.4627dupG).
Protein change: p.Asp1543fs; shifts the reading frame from aspartic acid 1543.
Molecular consequence: frameshift variant. On other transcripts: intron variant (1).
Genome position (GRCh38, 1-based): chr8:60,841,737, G duplicated. VCF-style (leftmost placement, unchanged base first): chr8-60841736-T-TG. GRCh37 (hg19) VCF-style: chr8-61754295-T-TG.
Other names: c.1717-20492dup (NM_001316690.1); short protein forms D1543fs.
Identifiers: ClinVar variation 1456122 (VCV001456122.6), dbSNP rs2150786214, ClinGen allele CA2573143259.